The following is an entry in ClinVar:

ClinVar aggregate classification (germline): Pathogenic (3 of 4 stars; one submission).

Conditions:
Breast-ovarian cancer, familial, susceptibility to, 2 (BROVCA2). Also called: BRCA2 Hereditary Breast and Ovarian Cancer. Identifiers: Orphanet 145, MedGen C2675520, MONDO:0012933, OMIM 612555. Disease mechanism: loss of function.

Submission:

Evidence-based Network for the Interpretation of Germline Mutant Alleles (ENIGMA)
Classification: Pathogenic for Breast-ovarian cancer, familial, susceptibility to, 2. Last evaluated: 2016-10-18. Review status: reviewed by expert panel. Criteria: ENIGMA BRCA1/2 Classification Criteria (2015). Collection method: curation. Allele origin: germline.
Comment: Variant allele predicted to encode a truncated non-functional protein.

NM_000059.4(BRCA2):c.109_112del (p.Ser37fs)

Gene: BRCA2 (BRCA2 DNA repair associated; plus strand). Cytogenetic location: 13q13.1.
Variant type: Deletion.
Coding change: c.109_112del on transcript NM_000059.4 (MANE Select); coding-DNA positions 109 to 112, 4 bases deleted (TCAG; older notation c.109_112delTCAG).
Protein change: p.Ser37fs; shifts the reading frame from serine 37.
Molecular consequence: frameshift variant.
Genome position (GRCh38, 1-based): chr13:32,319,118-32,319,121, TCAG deleted. VCF-style (leftmost placement, unchanged base first): chr13-32319117-TTCAG-T. GRCh37 (hg19) VCF-style: chr13-32893254-TTCAG-T.
Other names: 337del4; short protein forms S37fs.
Identifiers: ClinVar variation 266608 (VCV000266608.3), dbSNP rs886040344, ClinGen allele CA10589008.